The following is an entry in ClinVar:

NM_014846.4(WASHC5):c.186+3A>G

Gene: WASHC5 (WASH complex subunit 5; minus strand). Cytogenetic location: 8q24.13.
Variant type: single nucleotide variant.
Coding change: c.186+3A>G on transcript NM_014846.4 (MANE Select); 3 bases into the intron after coding-DNA position 186, A replaced by G.
Molecular consequence: intron variant.
Genome position (GRCh38, 1-based): chr8:125,083,710, T>C on the plus strand (A>G on the coding strand, the complement: WASHC5 is on the minus strand). VCF-style: chr8-125083710-T-C. GRCh37 (hg19) VCF-style: chr8-126095952-T-C.
Other names: c.-258-452A>G (NM_001330609.2).
Identifiers: ClinVar variation 2952444 (VCV002952444.3), dbSNP rs753027571, ClinGen allele CA4874201.

ClinVar aggregate classification (germline): Uncertain significance (1 of 4 stars; one submission).

Conditions:
Hereditary spastic paraplegia 8 (SPG8). Also called: SPASTIC PARAPLEGIA 8, AUTOSOMAL DOMINANT. Identifiers: Orphanet 100989, MedGen C1863704, MONDO:0011339, OMIM 603563.
Ritscher-Schinzel syndrome. Also called: CRANIOCEREBELLOCARDIAC DYSPLASIA. Identifiers: Orphanet 7, MedGen C0796137, MONDO:0019078.

Allele frequency attached by ClinVar (database versions not stated): TOPMed 0.00001; gnomAD exomes 0.00002; ExAC 0.00001; gnomAD 0.00001.
gnomAD v4.1: 27 of 1,605,972 alleles (0.0017%); highest among the groups gnomAD compares: Non-Finnish European, 0.0021%; no homozygotes.

Submission:

Labcorp Genetics (formerly Invitae), Labcorp
Classification: Uncertain significance for Ritscher-Schinzel syndrome; Hereditary spastic paraplegia 8. Last evaluated: 2022-11-20. Review status: criteria provided, single submitter. Criteria: Invitae Variant Classification Sherloc (09022015). Collection method: clinical testing. Allele origin: germline.
Comment: This sequence change falls in intron 2 of the WASHC5 gene. It does not directly change the encoded amino acid sequence of the WASHC5 protein. It affects a nucleotide within the consensus splice site. This variant is present in population databases (rs753027571, gnomAD 0.004%). This variant has not been reported in the literature in individuals affected with WASHC5-related conditions. Variants that disrupt the consensus splice site are a relatively common cause of aberrant splicing (PMID: 17576681, 9536098). Algorithms developed to predict the effect of sequence changes on RNA splicing suggest that this variant may disrupt the consensus splice site. In summary, the available evidence is currently insufficient to determine the role of this variant in disease. Therefore, it has been classified as a Variant of Uncertain Significance.

Literature cited by the submitters: PubMed 17576681; PubMed 9536098.